The following is an entry in ClinVar:

NM_017763.6(RNF43):c.977T>C (p.Leu326Pro)

Gene: RNF43 (ring finger protein 43; minus strand). Cytogenetic location: 17q22.
Variant type: single nucleotide variant.
Coding change: c.977T>C on transcript NM_017763.6 (MANE Select); coding-DNA position 977, T replaced by C.
Protein change: p.Leu326Pro; replaces leucine 326 with proline.
Molecular consequence: missense variant.
Genome position (GRCh38, 1-based): chr17:58,358,799, A>G on the plus strand (T>C on the coding strand, the complement: RNF43 is on the minus strand). VCF-style: chr17-58358799-A-G. GRCh37 (hg19) VCF-style: chr17-56436160-A-G.
Other names: c.977T>C, p.Leu326Pro (NM_001305544.3); c.596T>C, p.Leu199Pro (NM_001305545.2); c.977T>C (NM_017763.4); short protein forms L326P, L199P.
Identifiers: ClinVar variation 2770048 (VCV002770048.4), dbSNP rs1272737550, ClinGen allele CA400332421.
Genomic context (GRCh38, chr17:58,358,799, plus strand): 5'-GGATGCTGGCGAATGAGGTGGAGTCTTCGACCTGGTTCTTGGTAAGATCGAGAGGGTCCC[A>G]GGGACTGGGAAAATGAATCTCCCTCTGGAAAAAAGAACCAAGAGCACAGATGTTTAACTC-3'
Protein context (NP_060233.3, residues 316-336): ITEGDSFSQS[Leu326Pro]GPSRSYQEPG

ClinVar aggregate classification (germline): Uncertain significance. Review status: criteria provided, multiple submitters, no conflicts (2 of 4 stars). 2 submissions from 2 submitters: Uncertain significance (2). Last evaluated 2025-12-10.

Submissions (2):

Ambry Genetics
Classification: Uncertain significance. Last evaluated: 2025-12-10. Review status: criteria provided, single submitter. Criteria: Ambry Variant Classification Scheme 2023. Collection method: clinical testing. Allele origin: germline.
Comment: The p.L326P variant (also known as c.977T>C), located in coding exon 8 of the RNF43 gene, results from a T to C substitution at nucleotide position 977. The leucine at codon 326 is replaced by proline, an amino acid with similar properties. This amino acid position is conserved. In addition, this alteration is predicted to be tolerated by in silico analysis. Based on the available evidence, the clinical significance of this variant remains unclear.

Labcorp Genetics (formerly Invitae), Labcorp
Classification: Uncertain significance. Last evaluated: 2023-10-19. Review status: criteria provided, single submitter. Criteria: Invitae Variant Classification Sherloc (09022015). Collection method: clinical testing. Allele origin: germline.
Comment: This sequence change replaces leucine, which is neutral and non-polar, with proline, which is neutral and non-polar, at codon 326 of the RNF43 protein (p.Leu326Pro). The frequency data for this variant in the population databases is considered unreliable, as metrics indicate poor data quality at this position in the gnomAD database. This variant has not been reported in the literature in individuals affected with RNF43-related conditions. An algorithm developed to predict the effect of missense changes on protein structure and function (PolyPhen-2) suggests that this variant is likely to be tolerated. In summary, the available evidence is currently insufficient to determine the role of this variant in disease. Therefore, it has been classified as a Variant of Uncertain Significance.